The following is an entry in ClinVar:

ClinVar aggregate classification (germline): Uncertain significance (1 of 4 stars; one submission).

Conditions:
Glycogen storage disease, type VII (GSD7). Also called: PFKM DEFICIENCY; TARUI DISEASE; GSD VII; MUSCLE PHOSPHOFRUCTOKINASE DEFICIENCY. Identifiers: Orphanet 371, MedGen C0017926, MONDO:0009295, OMIM 232800.

Submission:

Myriad Genetics, Inc.
Classification: Uncertain significance for Glycogen storage disease, type VII. Last evaluated: 2026-06-24. Review status: criteria provided, single submitter. Criteria: Myriad Autosomal Dominant, Autosomal Recessive and X-Linked Classification Criteria (2023). Collection method: clinical testing. Allele origin: unknown.
Comment: NM_001166686.1(PFKM):c.2542delG(E848Kfs*23) is a readthrough frameshift variant classified as a variant of uncertain significance in the context of glycogen storage disease, PFKM-related. E848Kfs*23 has not been observed in cases with relevant disease. Relevant functional assessments of this variant are not available in the literature. E848Kfs*23 has not been observed in referenced population frequency databases. In summary, there is insufficient evidence to classify NM_001166686.1(PFKM):c.2542delG(E848Kfs*23) as pathogenic or benign. Please note: this variant was assessed in the context of healthy population screening.

NM_000289.6(PFKM):c.2329del (p.Glu777fs)

Gene: PFKM (phosphofructokinase, muscle; plus strand). Cytogenetic location: 12q13.11.
Variant type: Deletion.
Coding change: c.2329del on transcript NM_000289.6 (MANE Select); coding-DNA position 2329, one base deleted (G; older notation c.2329delG).
Protein change: p.Glu777fs; shifts the reading frame from glutamic acid 777.
Molecular consequence: frameshift variant. On other transcripts: non-coding transcript variant (6).
Genome position (GRCh38, 1-based): chr12:48,145,694, G deleted; the last of 4 consecutive G bases (chr12:48,145,691-48,145,694); deleting any one gives the same sequence. VCF-style (leftmost placement, unchanged base first): chr12-48145690-CG-C. GRCh37 (hg19) VCF-style: chr12-48539473-CG-C.
Other names: c.2542del, p.Glu848fs (NM_001166686.2, NM_001354737.1, NM_001354738.1 and 1 more transcripts); c.2329del, p.Glu777fs (NM_001166687.2, NM_001166688.2, NM_001354742.2 and 2 more transcripts); c.2638del, p.Glu880fs (NM_001354735.1, NM_001354736.1); c.2473del, p.Glu825fs (NM_001354740.1); c.2353del, p.Glu785fs (NM_001354741.2); c.2242del, p.Glu748fs (NM_001354745.2); c.2203del, p.Glu735fs (NM_001354746.2); c.2179del, p.Glu727fs (NM_001354747.2, NM_001354748.2); and 2 more; short protein forms E727fs, E777fs, E825fs, E735fs, E746fs, E785fs, E880fs, E748fs.
Identifiers: ClinVar variation 5003842 (VCV005003842.1).
Genomic context (GRCh38, chr12:48,145,690, plus strand): 5'-CGAGATTGACTTGGACACTTCAGACCATGCCCACCTGGAGCACATCACCCGGAAGCGGTC[CG>C]GGGAAGCTGCCGTCTAAACCTCTCTGGAGTGAGGGGAATAGATTACCTGATCATGGTCAG-3'